The following is an entry in ClinVar:

ClinVar aggregate classification (germline): Uncertain significance (0 of 4 stars; one submission).

Conditions:
SLC10A1-related disorder. Also called: SLC10A1-related condition.

gnomAD v4.1: 35 of 1,613,800 alleles (0.0022%); highest among the groups gnomAD compares: Non-Finnish European, 0.0029%; no homozygotes.

Submission:

PreventionGenetics, part of Exact Sciences
Classification: Uncertain significance for SLC10A1-related condition. Last evaluated: 2023-12-04. Review status: no assertion criteria provided. Collection method: clinical testing. Allele origin: germline.
Comment: The SLC10A1 c.418A>G variant is predicted to result in the amino acid substitution p.Ile140Val. To our knowledge, this variant has not been reported in the literature. This variant is reported in 0.0026% of alleles in individuals of European (Non-Finnish) descent in gnomAD. At this time, the clinical significance of this variant is uncertain due to the absence of conclusive functional and genetic evidence.

NM_003049.4(SLC10A1):c.418A>G (p.Ile140Val)

Gene: SLC10A1 (solute carrier family 10 member 1; minus strand). Cytogenetic location: 14q24.1.
Variant type: single nucleotide variant.
Coding change: c.418A>G on transcript NM_003049.4 (MANE Select); coding-DNA position 418, A replaced by G.
Protein change: p.Ile140Val; replaces isoleucine 140 with valine.
Molecular consequence: missense variant.
Genome position (GRCh38, 1-based): chr14:69,786,246, T>C on the plus strand (A>G on the coding strand, the complement: SLC10A1 is on the minus strand). VCF-style: chr14-69786246-T-C. GRCh37 (hg19) VCF-style: chr14-70252963-T-C.
Other names: short protein forms I140V.
Identifiers: ClinVar variation 3031504 (VCV003031504.2), dbSNP rs149467297, ClinGen allele CA7246173.